The following is an entry in ClinVar:

NM_005996.4(TBX3):c.230C>T (p.Pro77Leu)

Genes: TBX3 (T-box transcription factor 3; minus strand), TBX3-AS1 (TBX3 antisense RNA 1; plus strand). Cytogenetic location: 12q24.21.
Variant type: single nucleotide variant.
Coding change: c.230C>T on transcript NM_005996.4 (MANE Select); coding-DNA position 230, C replaced by T.
Protein change: p.Pro77Leu; replaces proline 77 with leucine.
Molecular consequence: missense variant.
Genome position (GRCh38, 1-based): chr12:114,682,971, G>A on the plus strand (C>T on the coding strand, the complement: TBX3 is on the minus strand). VCF-style: chr12-114682971-G-A. GRCh37 (hg19) VCF-style: chr12-115120776-G-A.
Other names: c.230C>T, p.Pro77Leu (NM_016569.4); short protein forms P77L.
Identifiers: ClinVar variation 4996941 (VCV004996941.1).

ClinVar aggregate classification (germline): Uncertain significance (1 of 4 stars; one submission).

Conditions:
TBX3-related disorder. Also called: TBX3-related condition.

Submission:

PreventionGenetics, part of Exact Sciences
Classification: Uncertain significance for TBX3-related condition. Last evaluated: 2025-06-02. Review status: criteria provided, single submitter. Criteria: ACMG Guidelines, 2015. Collection method: clinical testing. Allele origin: germline.
Comment: The TBX3 c.230C>T variant is predicted to result in the amino acid substitution p.Pro77Leu. To our knowledge, this variant has not been reported in the literature or in a large population database (gnomAD), indicating this variant is rare. At this time, the clinical significance of this variant is uncertain due to the absence of conclusive functional and genetic evidence.